The following is an entry in ClinVar:

NM_001379210.1(SLC25A26):c.569-180C>G

Gene: SLC25A26 (solute carrier family 25 member 26; plus strand). Cytogenetic location: 3p14.1.
Variant type: single nucleotide variant.
Coding change: c.569-180C>G on transcript NM_001379210.1 (MANE Select); 180 bases into the intron before coding-DNA position 569, C replaced by G.
Molecular consequence: intron variant.
Genome position (GRCh38, 1-based): chr3:66,369,298, C>G. VCF-style: chr3-66369298-C-G. GRCh37 (hg19) VCF-style: chr3-66419722-C-G.
Other names: c.569-180C>G (NM_173471.4); c.305-180C>G (NM_001350993.1, NM_001164796.1).
Identifiers: ClinVar variation 674167 (VCV000674167.2), dbSNP rs9842171, ClinGen allele CA76438719.

ClinVar aggregate classification (germline): Benign. Review status: criteria provided, multiple submitters, no conflicts (2 of 4 stars). 2 submissions from 2 submitters: Benign (2). Last evaluated 2018-06-19.

Allele frequency attached by ClinVar (database versions not stated): gnomAD 0.04912 and 0.05298; 1000 Genomes Project 0.04932; 1000 Genomes Project 30x 0.05387; TOPMed 0.05492.
gnomAD v4.1: 7,408 of 152,256 alleles (4.9%); highest among the groups gnomAD compares: African/African-American, 17%; 618 homozygotes.

Submissions (2):

GeneDx
Classification: Benign. Last evaluated: 2018-06-19. Review status: criteria provided, single submitter. Criteria: GeneDx Variant Classification (06012015). Collection method: clinical testing. Allele origin: germline. Affected: yes.
Comment: This variant is considered likely benign or benign based on one or more of the following criteria: it is a conservative change, it occurs at a poorly conserved position in the protein, it is predicted to be benign by multiple in silico algorithms, and/or has population frequency not consistent with disease.

Breakthrough Genomics
Classification: Benign. Review status: criteria provided, single submitter. Criteria: ACMG Guidelines, 2015. Collection method: not provided. Allele origin: germline. Inheritance: Autosomal recessive inheritance. Affected: yes.